The following is an entry in ClinVar:

NM_001376.5(DYNC1H1):c.2389G>A (p.Glu797Lys)

Gene: DYNC1H1 (dynein cytoplasmic 1 heavy chain 1; plus strand). Cytogenetic location: 14q32.31.
Variant type: single nucleotide variant.
Coding change: c.2389G>A on transcript NM_001376.5 (MANE Select); coding-DNA position 2389, G replaced by A.
Protein change: p.Glu797Lys; replaces glutamic acid 797 with lysine.
Molecular consequence: missense variant.
Genome position (GRCh38, 1-based): chr14:101,986,614, G>A. VCF-style: chr14-101986614-G-A. GRCh37 (hg19) VCF-style: chr14-102452951-G-A.
Other names: short protein forms E797K.
Identifiers: ClinVar variation 3636125 (VCV003636125.2).
Genomic context (GRCh38, chr14:101,986,614, plus strand): 5'-TTTGCCATCTCACTGATCGAGAGCGTTCGTACCTATGAACGGACCTGCGAGAAGGTGGAG[G>A]AGCGGAACACCATTTCCCTTTTGGTGGCTGGCTTGAAAAAGGAAGTGCAGGCCCTGATCG-3'
Protein context (NP_001367.2, residues 787-807): TYERTCEKVE[Glu797Lys]RNTISLLVAG

ClinVar aggregate classification (germline): Uncertain significance (1 of 4 stars; one submission).

Conditions:
Charcot-Marie-Tooth disease axonal type 2O. Also called: Charcot-Marie-Tooth disease, axonal, type 20; CHARCOT-MARIE-TOOTH NEUROPATHY, AXONAL, TYPE 2O; CHARCOT-MARIE-TOOTH DISEASE, AXONAL, AUTOSOMAL DOMINANT, TYPE 2O; Charcot-Marie-Tooth Neuropathy Type 2O. Identifiers: Orphanet 284232, MedGen C3280220, MONDO:0013644, OMIM 614228.

Submission:

Labcorp Genetics (formerly Invitae), Labcorp
Classification: Uncertain significance for Charcot-Marie-Tooth disease axonal type 2O. Last evaluated: 2024-09-09. Review status: criteria provided, single submitter. Criteria: Invitae Variant Classification Sherloc (09022015). Collection method: clinical testing. Allele origin: germline.
Comment: This sequence change replaces glutamic acid, which is acidic and polar, with lysine, which is basic and polar, at codon 797 of the DYNC1H1 protein (p.Glu797Lys). This variant is not present in population databases (gnomAD no frequency). This variant has not been reported in the literature in individuals affected with DYNC1H1-related conditions. Invitae Evidence Modeling of protein sequence and biophysical properties (such as structural, functional, and spatial information, amino acid conservation, physicochemical variation, residue mobility, and thermodynamic stability) has been performed for this missense variant. However, the output from this modeling did not meet the statistical confidence thresholds required to predict the impact of this variant on DYNC1H1 protein function. In summary, the available evidence is currently insufficient to determine the role of this variant in disease. Therefore, it has been classified as a Variant of Uncertain Significance.